The following is an entry in ClinVar:

NM_006767.4(LZTR1):c.2473G>A (p.Ala825Thr)

Gene: LZTR1 (leucine zipper like post translational regulator 1; plus strand). Cytogenetic location: 22q11.21.
Variant type: single nucleotide variant.
Coding change: c.2473G>A on transcript NM_006767.4 (MANE Select); coding-DNA position 2473, G replaced by A.
Protein change: p.Ala825Thr; replaces alanine 825 with threonine.
Molecular consequence: missense variant.
Genome position (GRCh38, 1-based): chr22:20,997,298, G>A. VCF-style: chr22-20997298-G-A. GRCh37 (hg19) VCF-style: chr22-21351587-G-A.
Other names: short protein forms A825T.
Identifiers: ClinVar variation 1791809 (VCV001791809.8), dbSNP rs759036618, ClinGen allele CA10119475.

ClinVar aggregate classification (germline): Uncertain significance. Review status: criteria provided, multiple submitters, no conflicts (2 of 4 stars). 3 submissions from 3 submitters: Uncertain significance (3). Last evaluated 2025-09-10.

Conditions:
Hereditary cancer-predisposing syndrome. Also called: Hereditary Cancer Syndrome; Hereditary neoplastic syndrome; Tumor predisposition; Neoplastic Syndromes, Hereditary. Identifiers: Orphanet 140162, MedGen C0027672, MeSH D009386, MONDO:0015356.
Cardiovascular phenotype. Identifiers: MedGen CN230736.

Allele frequency attached by ClinVar (database versions not stated): ExAC 0.00001; gnomAD 0.00001; TOPMed 0.00001.
gnomAD v4.1: 25 of 1,613,684 alleles (0.0015%); highest among the groups gnomAD compares: Non-Finnish European, 0.0021%; no homozygotes.

Submissions (3):

Ambry Genetics
Classification: Uncertain significance for Cardiovascular phenotype; Hereditary cancer-predisposing syndrome. Last evaluated: 2025-09-10. Review status: criteria provided, single submitter. Criteria: Ambry Variant Classification Scheme 2023. Collection method: clinical testing. Allele origin: germline.
Comment: The p.A825T variant (also known as c.2473G>A), located in coding exon 21 of the LZTR1 gene, results from a G to A substitution at nucleotide position 2473. The alanine at codon 825 is replaced by threonine, an amino acid with similar properties. This amino acid position is highly conserved in available vertebrate species. In addition, the in silico prediction for this alteration is inconclusive. Since supporting evidence is limited at this time, the clinical significance of this alteration remains unclear.

Labcorp Genetics (formerly Invitae), Labcorp
Classification: Uncertain significance. Last evaluated: 2024-12-03. Review status: criteria provided, single submitter. Criteria: Invitae Variant Classification Sherloc (09022015). Collection method: clinical testing. Allele origin: germline.
Comment: This sequence change replaces alanine, which is neutral and non-polar, with threonine, which is neutral and polar, at codon 825 of the LZTR1 protein (p.Ala825Thr). This variant is present in population databases (rs759036618, gnomAD 0.0009%). This variant has not been reported in the literature in individuals affected with LZTR1-related conditions. ClinVar contains an entry for this variant (Variation ID: 1791809). Invitae Evidence Modeling of protein sequence and biophysical properties (such as structural, functional, and spatial information, amino acid conservation, physicochemical variation, residue mobility, and thermodynamic stability) indicates that this missense variant is not expected to disrupt LZTR1 protein function with a negative predictive value of 80%. In summary, the available evidence is currently insufficient to determine the role of this variant in disease. Therefore, it has been classified as a Variant of Uncertain Significance.

GeneDx
Classification: Uncertain significance. Last evaluated: 2023-07-03. Review status: criteria provided, single submitter. Criteria: GeneDx Variant Classification Process June 2021. Collection method: clinical testing. Allele origin: germline. Affected: yes.
Comment: Not observed at significant frequency in large population cohorts (gnomAD); In silico analysis supports that this missense variant has a deleterious effect on protein structure/function; Has not been previously published as pathogenic or benign to our knowledge